The following is an entry in ClinVar:

ClinVar aggregate classification (germline): Likely pathogenic (1 of 4 stars; one submission).

Conditions:
Joubert syndrome. Also called: CEREBELLOPARENCHYMAL DISORDER IV; JOUBERT-BOLTSHAUSER SYNDROME; Familial aplasia of the vermis. Identifiers: Orphanet 475, MedGen C5979921, MONDO:0018772.
Nephronophthisis. Also called: Juvenile Nephronophthisis. Identifiers: Orphanet 655, MedGen C0687120, MONDO:0019005, HP:0000090.
Meckel-Gruber syndrome. Also called: DYSENCEPHALIA SPLANCHNOCYSTICA; GRUBER SYNDROME; Dysencephalia splachnocystica. Identifiers: Orphanet 564, MedGen C0265215, MONDO:0018921.

Submission:

Labcorp Genetics (formerly Invitae), Labcorp
Classification: Likely pathogenic for Joubert syndrome; Meckel-Gruber syndrome; Nephronophthisis. Last evaluated: 2023-03-26. Review status: criteria provided, single submitter. Criteria: Invitae Variant Classification Sherloc (09022015). Collection method: clinical testing. Allele origin: germline.
Comment: Algorithms developed to predict the effect of sequence changes on RNA splicing suggest that this variant may disrupt the consensus splice site. Disruption of this splice site has been observed in individual(s) with Leber congenital amaurosis (PMID: 23661368). This variant is not present in population databases (gnomAD no frequency). This sequence change affects a donor splice site in intron 25 of the CEP290 gene. It is expected to disrupt RNA splicing. Variants that disrupt the donor or acceptor splice site typically lead to a loss of protein function (PMID: 16199547), and loss-of-function variants in CEP290 are known to be pathogenic (PMID: 16909394, 17345604, 20690115). In summary, the currently available evidence indicates that the variant is pathogenic, but additional data are needed to prove that conclusively. Therefore, this variant has been classified as Likely Pathogenic.

Literature cited by the submitters: PubMed 23661368; PubMed 16199547; PubMed 16909394; PubMed 17345604; PubMed 20690115.

NM_025114.4(CEP290):c.2817+1G>T

Gene: CEP290 (centrosomal protein 290; minus strand). Cytogenetic location: 12q21.32.
Variant type: single nucleotide variant.
Coding change: c.2817+1G>T on transcript NM_025114.4 (MANE Select); the canonical splice donor site of the intron after coding-DNA position 2817, G replaced by T.
Molecular consequence: splice donor variant.
Genome position (GRCh38, 1-based): chr12:88,106,674, C>A on the plus strand (G>T on the coding strand, the complement: CEP290 is on the minus strand). VCF-style: chr12-88106674-C-A. GRCh37 (hg19) VCF-style: chr12-88500451-C-A.
Identifiers: ClinVar variation 2945826 (VCV002945826.3), dbSNP rs2500612408, ClinGen allele CA385970740.